The following is an entry in ClinVar:

ClinVar aggregate classification (germline): Uncertain significance (1 of 4 stars; one submission).

gnomAD v4.1: 1 of 1,611,850 alleles (0.000062%); highest among the groups gnomAD compares: Non-Finnish European, 0.000085%; no homozygotes.

Submission:

Labcorp Genetics (formerly Invitae), Labcorp
Classification: Uncertain significance. Last evaluated: 2022-07-04. Review status: criteria provided, single submitter. Criteria: Invitae Variant Classification Sherloc (09022015). Collection method: clinical testing. Allele origin: germline.
Comment: In summary, the available evidence is currently insufficient to determine the role of this variant in disease. Therefore, it has been classified as a Variant of Uncertain Significance. Algorithms developed to predict the effect of missense changes on protein structure and function (SIFT, PolyPhen-2, Align-GVGD) all suggest that this variant is likely to be tolerated. This variant has not been reported in the literature in individuals affected with TUB-related conditions. This variant is not present in population databases (gnomAD no frequency). This sequence change replaces alanine, which is neutral and non-polar, with valine, which is neutral and non-polar, at codon 196 of the TUB protein (p.Ala196Val).

NM_177972.3(TUB):c.422C>T (p.Ala141Val)

Genes: TUB (TUB bipartite transcription factor; plus strand), RIC3 (RIC3 acetylcholine receptor chaperone; minus strand). Cytogenetic location: 11p15.4.
Variant type: single nucleotide variant.
Coding change: c.422C>T on transcript NM_177972.3 (MANE Select); coding-DNA position 422, C replaced by T.
Protein change: p.Ala141Val; replaces alanine 141 with valine.
Molecular consequence: missense variant.
Genome position (GRCh38, 1-based): chr11:8,095,522, C>T. VCF-style: chr11-8095522-C-T. GRCh37 (hg19) VCF-style: chr11-8117069-C-T.
Other names: c.587C>T, p.Ala196Val (NM_003320.5); short protein forms A141V, A196V.
Identifiers: ClinVar variation 2014144 (VCV002014144.4), dbSNP rs2539233992, ClinGen allele CA379565797.